The following is an entry in ClinVar:

NM_001364905.1(LRBA):c.2617C>T (p.Leu873Phe)

Gene: LRBA (LPS responsive beige-like anchor protein; minus strand). Cytogenetic location: 4q31.3.
Variant type: single nucleotide variant.
Coding change: c.2617C>T on transcript NM_001364905.1 (MANE Select); coding-DNA position 2617, C replaced by T.
Protein change: p.Leu873Phe; replaces leucine 873 with phenylalanine.
Molecular consequence: missense variant.
Genome position (GRCh38, 1-based): chr4:150,867,820, G>A on the plus strand (C>T on the coding strand, the complement: LRBA is on the minus strand). VCF-style: chr4-150867820-G-A. GRCh37 (hg19) VCF-style: chr4-151788972-G-A.
Other names: c.2617C>T, p.Leu873Phe (NM_001199282.3, NM_001367550.1, NM_006726.5); short protein forms L873F.
Identifiers: ClinVar variation 2060407 (VCV002060407.5), dbSNP rs888465668, ClinGen allele CA107830791.

ClinVar aggregate classification (germline): Uncertain significance. Review status: criteria provided, multiple submitters, no conflicts (2 of 4 stars). 2 submissions from 2 submitters: Uncertain significance (2). Last evaluated 2024-04-15.

Conditions:
Combined immunodeficiency due to LRBA deficiency. Also called: Common variable immunodeficiency 8, with autoimmunity. Identifiers: Orphanet 445018, MedGen C3553512, MONDO:0013863, OMIM 614700.

Allele frequency attached by ClinVar (database versions not stated): gnomAD exomes below 0.00001.
gnomAD v4.1: 7 of 1,613,334 alleles (0.00043%); highest among the groups gnomAD compares: Non-Finnish European, 0.00051%; no homozygotes.

Submissions (2):

Labcorp Genetics (formerly Invitae), Labcorp
Classification: Uncertain significance for Combined immunodeficiency due to LRBA deficiency. Last evaluated: 2024-04-15. Review status: criteria provided, single submitter. Criteria: Invitae Variant Classification Sherloc (09022015). Collection method: clinical testing. Allele origin: germline.
Comment: This sequence change replaces leucine, which is neutral and non-polar, with phenylalanine, which is neutral and non-polar, at codon 873 of the LRBA protein (p.Leu873Phe). This variant is not present in population databases (gnomAD no frequency). This variant has not been reported in the literature in individuals affected with LRBA-related conditions. ClinVar contains an entry for this variant (Variation ID: 2060407). Advanced modeling of protein sequence and biophysical properties (such as structural, functional, and spatial information, amino acid conservation, physicochemical variation, residue mobility, and thermodynamic stability) performed at Invitae indicates that this missense variant is not expected to disrupt LRBA protein function with a negative predictive value of 80%. In summary, the available evidence is currently insufficient to determine the role of this variant in disease. Therefore, it has been classified as a Variant of Uncertain Significance.

Blueprint Genetics
Classification: Uncertain significance. Last evaluated: 2024-02-16. Review status: criteria provided, single submitter. Criteria: ACMG Guidelines, 2015. Collection method: clinical testing. Allele origin: germline.